The following is an entry in ClinVar:

NM_015338.6(ASXL1):c.3170A>G (p.Asp1057Gly)

Gene: ASXL1 (ASXL transcriptional regulator 1; plus strand). Cytogenetic location: 20q11.21.
Variant type: single nucleotide variant.
Coding change: c.3170A>G on transcript NM_015338.6 (MANE Select); coding-DNA position 3170, A replaced by G.
Protein change: p.Asp1057Gly; replaces aspartic acid 1057 with glycine.
Molecular consequence: missense variant.
Genome position (GRCh38, 1-based): chr20:32,435,882, A>G. VCF-style: chr20-32435882-A-G. GRCh37 (hg19) VCF-style: chr20-31023685-A-G.
Other names: c.2987A>G, p.Asp996Gly (NM_001363734.1); short protein forms D996G, D1057G.
Identifiers: ClinVar variation 3438798 (VCV003438798.1).
Genomic context (GRCh38, chr20:32,435,882, plus strand): 5'-GGAACCAATCTGCCCCACTGTCCAAGGTGAATGGTGACATGCGTCTGGTTACAAGGACAG[A>G]TGGGATGGTTGCTCCTCAGAGCTGGGTGTCTCGAGTATGTGCGGTCCGCCAAAAGATCCC-3'
Protein context (NP_056153.2, residues 1047-1067): NGDMRLVTRT[Asp1057Gly]GMVAPQSWVS

ClinVar aggregate classification (germline): Uncertain significance (1 of 4 stars; one submission).

Conditions:
Inborn genetic diseases. Identifiers: MedGen C0950123, MeSH D030342.

Submission:

Ambry Genetics
Classification: Uncertain significance for Inborn genetic diseases. Last evaluated: 2024-11-25. Review status: criteria provided, single submitter. Criteria: Ambry Variant Classification Scheme 2023. Collection method: clinical testing. Allele origin: germline.
Comment: The p.D1057G variant (also known as c.3170A>G), located in coding exon 13 of the ASXL1 gene, results from an A to G substitution at nucleotide position 3170. The aspartic acid at codon 1057 is replaced by glycine, an amino acid with similar properties. This amino acid position is conserved. In addition, this alteration is predicted to be tolerated by in silico analysis. Based on the available evidence, the clinical significance of this variant remains unclear.